The following is an entry in ClinVar:

ClinVar aggregate classification (germline): Uncertain significance. Review status: criteria provided, multiple submitters, no conflicts (2 of 4 stars). 2 submissions from 2 submitters: Uncertain significance (2). Last evaluated 2025-03-18.

Conditions:
Hereditary cancer-predisposing syndrome. Also called: Neoplastic Syndromes, Hereditary; Hereditary Cancer Syndrome; Tumor predisposition; Hereditary neoplastic syndrome. Identifiers: Orphanet 140162, MedGen C0027672, MeSH D009386, MONDO:0015356.
Multiple endocrine neoplasia, type 2 (MEN2). Identifiers: Orphanet 653, MedGen C4048306, MONDO:0019003. Disease mechanism: gain of function.

Submissions (2):

Ambry Genetics
Classification: Uncertain significance for Hereditary cancer-predisposing syndrome. Last evaluated: 2025-03-18. Review status: criteria provided, single submitter. Criteria: Ambry Variant Classification Scheme 2023. Collection method: clinical testing. Allele origin: germline.
Comment: The p.M1009K variant (also known as c.3026T>A), located in coding exon 18 of the RET gene, results from a T to A substitution at nucleotide position 3026. The methionine at codon 1009 is replaced by lysine, an amino acid with similar properties. This amino acid position is highly conserved in available vertebrate species. In addition, this alteration is predicted to be deleterious by in silico analysis. Based on the available evidence, the clinical significance of this variant remains unclear.

Labcorp Genetics (formerly Invitae), Labcorp
Classification: Uncertain significance for Multiple endocrine neoplasia, type 2. Last evaluated: 2019-11-13. Review status: criteria provided, single submitter. Criteria: Invitae Variant Classification Sherloc (09022015). Collection method: clinical testing. Allele origin: germline.
Comment: This sequence change replaces methionine with lysine at codon 1009 of the RET protein (p.Met1009Lys). The methionine residue is highly conserved and there is a moderate physicochemical difference between methionine and lysine. This variant is not present in population databases (ExAC no frequency). In summary, the available evidence is currently insufficient to determine the role of this variant in disease. Therefore, it has been classified as a Variant of Uncertain Significance. Algorithms developed to predict the effect of missense changes on protein structure and function are either unavailable or do not agree on the potential impact of this missense change (SIFT: "Deleterious"; PolyPhen-2: "Possibly Damaging"; Align-GVGD: "Class C0"). This variant has not been reported in the literature in individuals with RET-related conditions.

NM_020975.6(RET):c.3026T>A (p.Met1009Lys)

Gene: RET (ret proto-oncogene; plus strand). Cytogenetic location: 10q11.21.
Variant type: single nucleotide variant.
Coding change: c.3026T>A on transcript NM_020975.6 (MANE Select); coding-DNA position 3026, T replaced by A.
Protein change: p.Met1009Lys; replaces methionine 1009 with lysine.
Molecular consequence: missense variant.
Genome position (GRCh38, 1-based): chr10:43,124,969, T>A. VCF-style: chr10-43124969-T-A. GRCh37 (hg19) VCF-style: chr10-43620417-T-A.
Other names: c.3026T>A, p.Met1009Lys (NM_000323.2, NM_001406743.1, NM_001406744.1 and 4 more transcripts); c.2264T>A, p.Met755Lys (NM_001355216.2); c.2897T>A, p.Met966Lys (NM_001406761.1, NM_001406762.1, NM_001406764.1); c.2891T>A, p.Met964Lys (NM_001406763.1, NM_001406765.1); c.2738T>A, p.Met913Lys (NM_001406766.1, NM_001406767.1, NM_001406770.1); c.2762T>A, p.Met921Lys (NM_001406768.1); c.2630T>A, p.Met877Lys (NM_001406769.1, NM_001406772.1); c.2588T>A, p.Met863Lys (NM_001406771.1, NM_001406773.1); and 10 more; short protein forms M755K, M1009K, M526K, M574K, M665K, M670K, M863K, M614K.
Identifiers: ClinVar variation 968700 (VCV000968700.11), dbSNP rs375213011, ClinGen allele CA376558221.